The following is an entry in ClinVar:

ClinVar aggregate classification (germline): Uncertain significance. Review status: criteria provided, multiple submitters, no conflicts (2 of 4 stars). 2 submissions from 2 submitters: Uncertain significance (2). Last evaluated 2025-05-18.

Conditions:
Hereditary cancer-predisposing syndrome. Also called: Tumor predisposition; Neoplastic Syndromes, Hereditary; Hereditary Cancer Syndrome; Hereditary neoplastic syndrome. Identifiers: Orphanet 140162, MedGen C0027672, MeSH D009386, MONDO:0015356.
Cardiovascular phenotype. Identifiers: MedGen CN230736.
Neurofibromatosis, type 1 (NF1). Also called: VON RECKLINGHAUSEN DISEASE; NEUROFIBROMATOSIS, TYPE I, SOMATIC; Peripheral type neurofibromatosis; Neurofibromatosis, type I. Identifiers: Orphanet 636, MedGen C0027831, MONDO:0018975, OMIM 162200. Disease mechanism: loss of function.

Submissions (2):

Labcorp Genetics (formerly Invitae), Labcorp
Classification: Uncertain significance for Neurofibromatosis, type 1. Last evaluated: 2025-05-18. Review status: criteria provided, single submitter. Criteria: Invitae Variant Classification Sherloc (09022015). Collection method: clinical testing. Allele origin: germline.
Comment: This sequence change replaces glutamic acid, which is acidic and polar, with valine, which is neutral and non-polar, at codon 715 of the NF1 protein (p.Glu715Val). This variant is not present in population databases (gnomAD no frequency). This variant has not been reported in the literature in individuals affected with NF1-related conditions. ClinVar contains an entry for this variant (Variation ID: 1786626). Invitae Evidence Modeling of protein sequence and biophysical properties (such as structural, functional, and spatial information, amino acid conservation, physicochemical variation, residue mobility, and thermodynamic stability) indicates that this missense variant is expected to disrupt NF1 protein function with a positive predictive value of 95%. In summary, the available evidence is currently insufficient to determine the role of this variant in disease. Therefore, it has been classified as a Variant of Uncertain Significance.

Ambry Genetics
Classification: Uncertain significance for Cardiovascular phenotype; Hereditary cancer-predisposing syndrome. Last evaluated: 2023-09-11. Review status: criteria provided, single submitter. Criteria: Ambry Variant Classification Scheme 2023. Collection method: clinical testing. Allele origin: germline.
Comment: The p.E715V variant (also known as c.2144A>T), located in coding exon 18 of the NF1 gene, results from an A to T substitution at nucleotide position 2144. The glutamic acid at codon 715 is replaced by valine, an amino acid with dissimilar properties. This amino acid position is highly conserved in available vertebrate species. In addition, this alteration is predicted to be deleterious by in silico analysis. Since supporting evidence is limited at this time, the clinical significance of this alteration remains unclear.

NM_001042492.3(NF1):c.2144A>T (p.Glu715Val)

Gene: NF1 (neurofibromin 1; plus strand). Cytogenetic location: 17q11.2.
Variant type: single nucleotide variant.
Coding change: c.2144A>T on transcript NM_001042492.3 (MANE Select); coding-DNA position 2144, A replaced by T.
Protein change: p.Glu715Val; replaces glutamic acid 715 with valine.
Molecular consequence: missense variant.
Genome position (GRCh38, 1-based): chr17:31,226,577, A>T. VCF-style: chr17-31226577-A-T. GRCh37 (hg19) VCF-style: chr17-29553595-A-T.
Other names: c.2144A>T, p.Glu715Val (NM_000267.4); short protein forms E715V.
Identifiers: ClinVar variation 1786626 (VCV001786626.3), dbSNP rs2067018762, ClinGen allele CA398982355.